The following is an entry in ClinVar:

NM_032578.4(MYPN):c.3514C>A (p.Pro1172Thr)

Gene: MYPN (myopalladin; plus strand). Cytogenetic location: 10q21.3.
Variant type: single nucleotide variant.
Coding change: c.3514C>A on transcript NM_032578.4 (MANE Select); coding-DNA position 3514, C replaced by A.
Protein change: p.Pro1172Thr; replaces proline 1172 with threonine.
Molecular consequence: missense variant. On other transcripts: non-coding transcript variant (2).
Genome position (GRCh38, 1-based): chr10:68,201,849, C>A. VCF-style: chr10-68201849-C-A. GRCh37 (hg19) VCF-style: chr10-69961606-C-A.
Other names: c.3514C>A, p.Pro1172Thr (NM_001256267.2); c.2632C>A, p.Pro878Thr (NM_001256268.2); short protein forms P1172T, P878T.
Identifiers: ClinVar variation 4860706 (VCV004860706.1).

ClinVar aggregate classification (germline): Uncertain significance (1 of 4 stars; one submission).

Conditions:
Cardiovascular phenotype. Identifiers: MedGen CN230736.

Submission:

Ambry Genetics
Classification: Uncertain significance for Cardiovascular phenotype. Last evaluated: 2026-05-17. Review status: criteria provided, single submitter. Criteria: Ambry Variant Classification Scheme 2023. Collection method: clinical testing. Allele origin: germline.
Comment: The p.P1172T variant (also known as c.3514C>A), located in coding exon 17 of the MYPN gene, results from a C to A substitution at nucleotide position 3514. The proline at codon 1172 is replaced by threonine, an amino acid with highly similar properties. This amino acid position is conserved. In addition, this alteration is predicted to be deleterious by in silico analysis. Based on the available evidence, the clinical significance of this variant remains unclear.